The following is an entry in ClinVar:

NM_005269.3(GLI1):c.1576G>A (p.Gly526Ser)

Gene: GLI1 (GLI family zinc finger 1; plus strand). Cytogenetic location: 12q13.3.
Variant type: single nucleotide variant.
Coding change: c.1576G>A on transcript NM_005269.3 (MANE Select); coding-DNA position 1576, G replaced by A.
Protein change: p.Gly526Ser; replaces glycine 526 with serine.
Molecular consequence: missense variant.
Genome position (GRCh38, 1-based): chr12:57,469,698, G>A. VCF-style: chr12-57469698-G-A. GRCh37 (hg19) VCF-style: chr12-57863481-G-A.
Other names: c.1192G>A, p.Gly398Ser (NM_001160045.2); c.1453G>A, p.Gly485Ser (NM_001167609.2); short protein forms G398S, G485S, G526S.
Identifiers: ClinVar variation 3392855 (VCV003392855.3).
Genomic context (GRCh38, chr12:57,469,698, plus strand): 5'-CTACATCAACTCCGGCCAATAGGGACCCGGGGTCTCAAACTGCCCAGCTTGTCCCACACC[G>A]GTGAGACCTGGGTGTGGGAGGTGTGGCTGGGGTGAGATCTGGACCTGCCCTGAGGTTGAG-3'
Protein context (NP_005260.1, residues 516-536): GLKLPSLSHT[Gly526Ser]TTVSRRVGPP

ClinVar aggregate classification (germline): Uncertain significance. Review status: criteria provided, multiple submitters, no conflicts (2 of 4 stars). 2 submissions from 2 submitters: Uncertain significance (2). Last evaluated 2026-01-15.

Conditions:
GLI1-related disorder. Also called: GLI1-related condition.

gnomAD v4.1: 23 of 1,612,612 alleles (0.0014%); highest among the groups gnomAD compares: Middle Eastern, 0.036%; no homozygotes.

Submissions (2):

GeneDx
Classification: Uncertain significance. Last evaluated: 2026-01-15. Review status: criteria provided, single submitter. Criteria: GeneDx Variant Classification Process June 2021. Collection method: clinical testing. Allele origin: germline.
Comment: Alters the last nucleotide of the exon and is predicted to destroy the splice donor site and result in aberrant splicing, although in the absence of functional evidence the actual effect of this sequence change is unknown; Has not been previously published as pathogenic or benign to our knowledge

PreventionGenetics, part of Exact Sciences
Classification: Uncertain significance for GLI1-related condition. Last evaluated: 2025-10-30. Review status: criteria provided, single submitter. Criteria: ACMG Guidelines, 2015. Collection method: clinical testing. Allele origin: germline.
Comment: The GLI1 c.1576G>A variant is predicted to result in the amino acid substitution p.Gly526Ser. To our knowledge, this variant has not been reported in the literature. This variant is reported in 0.0097% of alleles in individuals of Ashkenazi Jewish descent in gnomAD. At this time, the clinical significance of this variant is uncertain due to the absence of conclusive functional and genetic evidence.